The following is an entry in ClinVar:

NM_000178.4(GSS):c.1192dup (p.Met398fs)

Gene: GSS (glutathione synthetase; minus strand). Cytogenetic location: 20q11.22.
Variant type: Duplication.
Coding change: c.1192dup on transcript NM_000178.4 (MANE Select); coding-DNA position 1192, one base duplicated (A; older notation c.1192dupA).
Protein change: p.Met398fs; shifts the reading frame from methionine 398.
Molecular consequence: frameshift variant.
Genome position (GRCh38, 1-based): chr20:34,929,510, T duplicated on the plus strand (A on the coding strand, the reverse complement: GSS is on the minus strand). VCF-style (leftmost placement, unchanged base first): chr20-34929509-A-AT. GRCh37 (hg19) VCF-style: chr20-33517312-A-AT.
Other names: c.1192dup, p.Met398fs (NM_001322494.1, NM_001322495.1); short protein forms M398fs.
Identifiers: ClinVar variation 2429135 (VCV002429135.3), dbSNP rs2519016906, ClinGen allele CA2580098114.

ClinVar aggregate classification (germline): Likely pathogenic (1 of 4 stars; one submission).

Conditions:
Inherited glutathione synthetase deficiency. Identifiers: Orphanet 32, MedGen C5979912, MONDO:0017909.

Submission:

Women's Health and Genetics/Laboratory Corporation of America, LabCorp
Classification: Likely pathogenic for Glutathione synthetase deficiency with 5-oxoprolinuria. Last evaluated: 2023-01-31. Review status: criteria provided, single submitter. Criteria: LabCorp Variant Classification Summary - May 2015. Collection method: clinical testing. Allele origin: germline.
Comment: Variant summary: GSS c.1192dupA (p.Met398AsnfsX7) results in a premature termination codon, predicted to cause a truncation of the encoded protein or absence of the protein due to nonsense mediated decay, which are commonly known mechanisms for disease. Truncation downstream of this position have been reported in an individual affected with 5-oxoprolinuria (PMID 25851806). The variant was absent in 251408 control chromosomes (gnomAD). To our knowledge, no occurrence of c.1192dupA in individuals affected with Glutathione Synthetase Deficiency and no experimental evidence demonstrating its impact on protein function have been reported. No clinical diagnostic laboratories have submitted clinical-significance assessments for this variant to ClinVar after 2014. Based on the evidence outlined above, the variant was classified as likely pathogenic.